The following is an entry in ClinVar:

NM_006129.5(BMP1):c.2108-593C>G

Gene: BMP1 (bone morphogenetic protein 1; plus strand). Cytogenetic location: 8p21.3.
Variant type: single nucleotide variant.
Coding change: c.2108-593C>G on transcript NM_006129.5 (MANE Select); 593 bases into the intron before coding-DNA position 2108, C replaced by G.
Molecular consequence: intron variant. On other transcripts: 3 prime UTR variant (1), non-coding transcript variant (1).
Genome position (GRCh38, 1-based): chr8:22,201,210, C>G. VCF-style: chr8-22201210-C-G. GRCh37 (hg19) VCF-style: chr8-22058723-C-G.
Other names: c.*7C>G (NM_001199.4).
Identifiers: ClinVar variation 3046030 (VCV003046030.2), dbSNP rs2539025742, ClinGen allele CA2579111790.
Genomic context (GRCh38, chr8:22,201,210, plus strand): 5'-CGCCCCCACCAGCTCAAATTCCGAGTGCAGAAAAGAAACCGGACCCCCCAGTGAGGCCTG[C>G]CAGGCCTCCCGGACCCCTTGTTACTCAGGAACCTCACCTTGGACGGAATGGGATGGGGGC-3'

ClinVar aggregate classification (germline): Likely benign (0 of 4 stars; one submission).

Conditions:
BMP1-related disorder. Also called: BMP1-related condition.

Submission:

PreventionGenetics, part of Exact Sciences
Classification: Likely benign for BMP1-related condition. Last evaluated: 2019-12-03. Review status: no assertion criteria provided. Collection method: clinical testing. Allele origin: germline.
Comment: This variant is classified as likely benign based on ACMG/AMP sequence variant interpretation guidelines (Richards et al. 2015 PMID: 25741868, with internal and published modifications).